The following is an entry in ClinVar:

ClinVar aggregate classification (germline): Likely benign (1 of 4 stars; one submission).

gnomAD v4.1: 76 of 1,613,884 alleles (0.0047%); highest among the groups gnomAD compares: Non-Finnish European, 0.0053%; 1 homozygote.

Submission:

CeGaT Center for Human Genetics Tuebingen
Classification: Likely benign. Last evaluated: 2025-08-01. Review status: criteria provided, single submitter. Criteria: CeGaT Center For Human Genetics Tuebingen Variant Classification Criteria Version 2. Collection method: clinical testing. Allele origin: germline. Affected: yes. Observed: 1 variant allele.
Comment: TPR: BP4, BP7

NM_003292.3(TPR):c.3954C>T (p.Ser1318=)

Gene: TPR (translocated promoter region, nuclear basket protein; minus strand). Cytogenetic location: 1q31.1.
Variant type: single nucleotide variant.
Coding change: c.3954C>T on transcript NM_003292.3 (MANE Select); coding-DNA position 3954, C replaced by T.
Protein change: p.Ser1318=; no amino-acid change (serine 1318 retained).
Molecular consequence: synonymous variant.
Genome position (GRCh38, 1-based): chr1:186,341,094, G>A on the plus strand (C>T on the coding strand, the complement: TPR is on the minus strand). VCF-style: chr1-186341094-G-A. GRCh37 (hg19) VCF-style: chr1-186310226-G-A.
Identifiers: ClinVar variation 4084298 (VCV004084298.8).